The following is an entry in ClinVar:

ClinVar aggregate classification (germline): Likely benign (0 of 4 stars; one submission).

Conditions:
CEP55-related disorder. Also called: CEP55-related condition.

Allele frequency attached by ClinVar (database versions not stated): ExAC 0.00001; gnomAD 0.00002; gnomAD exomes 0.00003; TOPMed 0.00003.
gnomAD v4.1: 42 of 1,613,962 alleles (0.0026%); highest among the groups gnomAD compares: Middle Eastern, 0.016%; no homozygotes.

Submission:

PreventionGenetics, part of Exact Sciences
Classification: Likely benign for CEP55-related condition. Last evaluated: 2019-06-21. Review status: no assertion criteria provided. Collection method: clinical testing. Allele origin: germline.
Comment: This variant is classified as likely benign based on ACMG/AMP sequence variant interpretation guidelines (Richards et al. 2015 PMID: 25741868, with internal and published modifications).

NM_018131.5(CEP55):c.237G>A (p.Glu79=)

Gene: CEP55 (centrosomal protein 55; plus strand). Cytogenetic location: 10q23.33.
Variant type: single nucleotide variant.
Coding change: c.237G>A on transcript NM_018131.5 (MANE Select); coding-DNA position 237, G replaced by A.
Protein change: p.Glu79=; no amino-acid change (glutamic acid 79 retained).
Molecular consequence: synonymous variant.
Genome position (GRCh38, 1-based): chr10:93,503,166, G>A. VCF-style: chr10-93503166-G-A. GRCh37 (hg19) VCF-style: chr10-95262923-G-A.
Other names: c.237G>A, p.Glu79= (NM_001127182.2).
Identifiers: ClinVar variation 3043294 (VCV003043294.2), dbSNP rs752222438, ClinGen allele CA5608861.